The following is an entry in ClinVar:

ClinVar aggregate classification (germline): Conflicting classifications of pathogenicity. Review status: criteria provided, conflicting classifications (1 of 4 stars). 11 submissions from 10 submitters: Uncertain significance (8); Likely benign (1). 2 of the submissions do not count toward it. Last evaluated 2025-08-30.

Conditions:
Cardiovascular phenotype. Identifiers: MedGen CN230736.
Hypertrophic cardiomyopathy 25 (CMH25). Also called: CARDIOMYOPATHY, FAMILIAL HYPERTROPHIC, 25. Identifiers: MedGen C4225408, MONDO:0011843, OMIM 607487.
Primary familial hypertrophic cardiomyopathy (HCM). Identifiers: Orphanet 99739, MedGen C0949658, MeSH D024741, MONDO:0024573. Inheritance: Various modes of inheritance.
Autosomal recessive limb-girdle muscular dystrophy type 2G (LGMDR7). Also called: Telethoninopathy; MUSCULAR DYSTROPHY, LIMB-GIRDLE, AUTOSOMAL RECESSIVE 7; Limb-girdle muscular dystrophy, type 2G. Identifiers: Orphanet 34514, MedGen C1866008, MONDO:0011170, OMIM 601954.

Allele frequency attached by ClinVar (database versions not stated): TOPMed 0.00003; 1000 Genomes Project 30x 0.00031; 1000 Genomes Project 0.00040.

Submissions (11):

Ambry Genetics
Classification: Uncertain significance for Cardiovascular phenotype. Last evaluated: 2025-08-30. Review status: criteria provided, single submitter. Criteria: Ambry Variant Classification Scheme 2023. Collection method: clinical testing. Allele origin: germline.
Comment: The p.E105K variant (also known as c.313G>A), located in coding exon 2 of the TCAP gene, results from a G to A substitution at nucleotide position 313. The glutamic acid at codon 105 is replaced by lysine, an amino acid with similar properties. This amino acid position is well conserved in available vertebrate species. In addition, this alteration is predicted to be tolerated by in silico analysis. Since supporting evidence is limited at this time, the clinical significance of this alteration remains unclear.

Labcorp Genetics (formerly Invitae), Labcorp
Classification: Uncertain significance for Hypertrophic cardiomyopathy 25; Primary familial hypertrophic cardiomyopathy. Last evaluated: 2025-01-23. Review status: criteria provided, single submitter. Criteria: Invitae Variant Classification Sherloc (09022015). Collection method: clinical testing. Allele origin: germline.
Comment: This sequence change replaces glutamic acid, which is acidic and polar, with lysine, which is basic and polar, at codon 105 of the TCAP protein (p.Glu105Lys). This variant is present in population databases (rs146906267, gnomAD 0.1%). This missense change has been observed in individual(s) with dilated cardiomyopathy (PMID: 24037902). ClinVar contains an entry for this variant (Variation ID: 288969). An algorithm developed to predict the effect of missense changes on protein structure and function (PolyPhen-2) suggests that this variant is likely to be disruptive. In summary, the available evidence is currently insufficient to determine the role of this variant in disease. Therefore, it has been classified as a Variant of Uncertain Significance.

Blueprint Genetics
Classification: Uncertain significance. Last evaluated: 2024-07-12. Review status: criteria provided, single submitter. Criteria: ACMG Guidelines, 2015. Collection method: clinical testing. Allele origin: germline.

Revvity Omics, Revvity
Classification: Uncertain significance. Last evaluated: 2024-02-20. Review status: criteria provided, single submitter. Criteria: ACMG Guidelines, 2015. Collection method: clinical testing. Allele origin: germline.

Women's Health and Genetics/Laboratory Corporation of America, LabCorp
Classification: Likely benign. Last evaluated: 2023-08-19. Review status: criteria provided, single submitter. Criteria: LabCorp Variant Classification Summary - May 2015. Collection method: clinical testing. Allele origin: germline.

Fulgent Genetics
Classification: Uncertain significance for Autosomal recessive limb-girdle muscular dystrophy type 2G; Hypertrophic cardiomyopathy 25. Last evaluated: 2021-07-26. Review status: criteria provided, single submitter. Criteria: ACMG Guidelines, 2015. Collection method: clinical testing. Allele origin: unknown.

Eurofins Ntd Llc (ga)
Classification: Uncertain significance. Last evaluated: 2017-08-22. Review status: criteria provided, single submitter. Criteria: EGL Classification Definitions 2015. Collection method: clinical testing. Allele origin: germline. Observed: 2 variant alleles, 2 heterozygotes.

Illumina Laboratory Services, Illumina
Classification: Uncertain significance for Cardiomyopathy, Dilated, 1N. Last evaluated: 2017-04-27. Review status: criteria provided, single submitter. Criteria: ICSL Variant Classification Criteria 13 December 2019. Collection method: clinical testing. Allele origin: germline.
Comment: This variant was observed as part of a predisposition screen in an ostensibly healthy population. A literature search was performed for the gene, cDNA change, and amino acid change (where applicable). Publications were found based on this search. However, the evidence from the literature, in combination with allele frequency data from public databases where available, was not sufficient to rule this variant in or out of causing disease. Therefore, this variant is classified as a variant of unknown significance.

Illumina Laboratory Services, Illumina
Classification: Uncertain significance for Autosomal recessive limb-girdle muscular dystrophy type 2G. Last evaluated: 2017-04-27. Review status: criteria provided, single submitter. Criteria: ICSL Variant Classification Criteria 13 December 2019. Collection method: clinical testing. Allele origin: germline.

Clinical Genetics, Academic Medical Center
Classification: Uncertain significance. Review status: no assertion criteria provided. Collection method: clinical testing. Allele origin: germline. Affected: yes. Study: VKGL Data-share Consensus. Not counted in ClinVar's aggregate classification.

Genome Diagnostics Laboratory, Amsterdam University Medical Center
Classification: Uncertain significance. Review status: no assertion criteria provided. Collection method: clinical testing. Allele origin: germline. Affected: yes. Study: VKGL Data-share Consensus. Not counted in ClinVar's aggregate classification.

Literature cited by the submitters: PubMed 24037902 (cited by Labcorp Genetics (formerly Invitae), Labcorp and Illumina Laboratory Services, Illumina).

NM_003673.4(TCAP):c.313G>A (p.Glu105Lys)

Gene: TCAP (titin-cap; plus strand). Cytogenetic location: 17q12.
Variant type: single nucleotide variant.
Coding change: c.313G>A on transcript NM_003673.4 (MANE Select); coding-DNA position 313, G replaced by A.
Protein change: p.Glu105Lys; replaces glutamic acid 105 with lysine.
Molecular consequence: missense variant.
Genome position (GRCh38, 1-based): chr17:39,665,918, G>A. VCF-style: chr17-39665918-G-A. GRCh37 (hg19) VCF-style: chr17-37822171-G-A.
Other names: short protein forms E105K.
Identifiers: ClinVar variation 288969 (VCV000288969.26), dbSNP rs146906267, ClinGen allele CA8532896.